The following is an entry in ClinVar:

NM_002382.5(MAX):c.172-6209A>G

Gene: MAX (MYC associated transcriptional regulator X; minus strand). Cytogenetic location: 14q23.3.
Variant type: single nucleotide variant.
Coding change: c.172-6209A>G on transcript NM_002382.5 (MANE Select); 6209 bases into the intron before coding-DNA position 172, A replaced by G.
Molecular consequence: intron variant. On other transcripts: missense variant (3), stop lost (1), non-coding transcript variant (4).
Genome position (GRCh38, 1-based): chr14:65,084,245, T>C on the plus strand (A>G on the coding strand, the complement: MAX is on the minus strand). VCF-style: chr14-65084245-T-C. GRCh37 (hg19) VCF-style: chr14-65550963-T-C.
Other names: c.199A>G, p.Met67Val (NM_001271068.2, NM_001407113.1); c.249A>G, p.Ter83Trp (NM_001407114.1); c.226A>G, p.Met76Val (NM_145114.3); c.144+9463A>G (NM_001271069.2); c.171+9463A>G (NM_197957.4); c.-196-6209A>G (NM_001407112.1, NM_001407111.1); c.-103-6209A>G (NM_001407106.1, NM_001407107.1, NM_001320415.2 and 1 more transcripts); c.145-6209A>G (NM_001407095.1, NM_001407110.1, NM_001407102.1 and 6 more transcripts); and 2 more; short protein forms M67V, M76V.
Identifiers: ClinVar variation 5023970 (VCV005023970.1).

ClinVar aggregate classification (germline): Uncertain significance (1 of 4 stars; one submission).

Conditions:
Hereditary cancer-predisposing syndrome. Also called: Neoplastic Syndromes, Hereditary; Tumor predisposition; Hereditary neoplastic syndrome; Hereditary Cancer Syndrome. Identifiers: Orphanet 140162, MedGen C0027672, MeSH D009386, MONDO:0015356.

Submission:

Ambry Genetics
Classification: Uncertain significance for Hereditary cancer-predisposing syndrome. Last evaluated: 2026-07-06. Review status: criteria provided, single submitter. Criteria: Ambry Variant Classification Scheme 2023. Collection method: clinical testing. Allele origin: germline.
Comment: The p.M76V variant (also known as c.226A>G), located in coding exon 4 of the MAX gene, results from an A to G substitution at nucleotide position 226. The methionine at codon 76 is replaced by valine, an amino acid with highly similar properties. This amino acid position is conserved. In addition, this alteration is predicted to be tolerated by in silico analysis. Based on the available evidence, the clinical significance of this variant remains unclear.